The following is an entry in ClinVar:

NM_001267550.2(TTN):c.96637G>A (p.Asp32213Asn)

Genes: TTN (titin; minus strand), TTN-AS1 (TTN antisense RNA 1; plus strand), LOC126806421 (CDK7 strongly-dependent group 2 enhancer GRCh37_chr2:179407630-179408829; plus strand). Cytogenetic location: 2q31.2.
Variant type: single nucleotide variant.
Coding change: c.96637G>A on transcript NM_001267550.2 (MANE Select); coding-DNA position 96637, G replaced by A.
Protein change: p.Asp32213Asn; replaces aspartic acid 32213 with asparagine.
Molecular consequence: missense variant.
Genome position (GRCh38, 1-based): chr2:178,543,336, C>T on the plus strand (G>A on the coding strand, the complement: TTN is on the minus strand). VCF-style: chr2-178543336-C-T. GRCh37 (hg19) VCF-style: chr2-179408063-C-T.
Other names: p.D30572N:GAT>AAT; p.Asp30572Asn; c.91714G>A, p.Asp30572Asn (NM_001256850.1); c.69442G>A, p.Asp23148Asn (NM_003319.4); c.88933G>A, p.Asp29645Asn (NM_133378.4); c.69817G>A, p.Asp23273Asn (NM_133432.3); c.70018G>A, p.Asp23340Asn (NM_133437.4); short protein forms D30572N, D32213N, D29645N, D23340N, D23148N, D23273N.
Identifiers: ClinVar variation 203024 (VCV000203024.22), dbSNP rs764561909, ClinGen allele CA311010.

ClinVar aggregate classification (germline): Conflicting classifications of pathogenicity. Review status: criteria provided, conflicting classifications (1 of 4 stars). 9 submissions from 9 submitters: Uncertain significance (7); Likely benign (2). Last evaluated 2026-07-29.

Conditions:
TTN-related disorder. Also called: TTN-related condition; TTN-related disease; TTN-related disorders.
Cardiovascular phenotype. Identifiers: MedGen CN230736.
Dilated cardiomyopathy 1G (CMD1G). Identifiers: Orphanet 154, MedGen C1858763, MONDO:0011400, OMIM 604145.
Autosomal recessive limb-girdle muscular dystrophy type 2J (LGMDR10). Also called: Limb-girdle muscular dystrophy, type 2J; MUSCULAR DYSTROPHY, LIMB-GIRDLE, AUTOSOMAL RECESSIVE 10. Identifiers: Orphanet 140922, MedGen C1837342, MONDO:0012127, OMIM 608807.
Early-onset myopathy with fatal cardiomyopathy (CMYO5). Also called: Salih Myopathy; CONGENITAL MYOPATHY 5 WITH CARDIOMYOPATHY. Identifiers: Orphanet 289377, MedGen C2673677, MONDO:0012714, OMIM 611705. Disease mechanism: loss of function.
Tibial muscular dystrophy (TMD). Also called: Tibial muscular dystrophy, tardive; Udd Distal Myopathy – Tibial Muscular Dystrophy; UDD MYOPATHY. Identifiers: Orphanet 609, MedGen C1838244, MONDO:0010870, OMIM 600334.
Myopathy, myofibrillar, 9, with early respiratory failure (MFM9). Also called: Myopathy, distal, with early respiratory failure, autosomal dominant; MYOPATHY, PROXIMAL, WITH EARLY RESPIRATORY MUSCLE INVOLVEMENT; Hereditary myopathy with early respiratory failure; EDSTROM MYOPATHY. Identifiers: Orphanet 178464, Orphanet 34521, MedGen C1863599, MONDO:0011362, OMIM 603689.
Hypertrophic cardiomyopathy 9. Also called: Familial hypertrophic cardiomyopathy 9. Identifiers: MedGen C1861065, MONDO:0013412, OMIM 613765.

Allele frequency attached by ClinVar (database versions not stated): ExAC 0.00003; gnomAD exomes 0.00003 and 0.00007; gnomAD 0.00005 and 0.00006; TOPMed 0.00005.
gnomAD v4.1: 115 of 1,613,710 alleles (0.0071%); highest among the groups gnomAD compares: South Asian, 0.011%; no homozygotes.

Submissions (9):

PreventionGenetics, part of Exact Sciences
Classification: Uncertain significance for TTN-related condition. Last evaluated: 2026-07-29. Review status: criteria provided, single submitter. Criteria: ACMG Guidelines, 2015. Collection method: clinical testing. Allele origin: germline.
Comment: The TTN c.96637G>A variant is predicted to result in the amino acid substitution p.Asp32213Asn. This variant has been reported in an individual with dilated cardiomyopathy (Table S3, Mazzarotto et al. 2020. PubMed ID: 31983221). This variant is reported in 0.013% of alleles in individuals of South Asian descent in gnomAD. At this time, the clinical significance of this variant is uncertain due to the absence of conclusive functional and genetic evidence.

Mayo Clinic Laboratories, Mayo Clinic
Classification: Uncertain significance. Last evaluated: 2025-07-10. Review status: criteria provided, single submitter. Criteria: ACMG Guidelines, 2015. Collection method: clinical testing. Allele origin: germline. Observed: 2 variant alleles.
Comment: BP4

GeneDx
Classification: Likely benign. Last evaluated: 2020-12-18. Review status: criteria provided, single submitter. Criteria: GeneDx Variant Classification Process June 2021. Collection method: clinical testing. Allele origin: germline. Affected: yes.
Comment: This variant is associated with the following publications: (PMID: 31983221)

Revvity Omics, Revvity
Classification: Uncertain significance. Last evaluated: 2020-03-26. Review status: criteria provided, single submitter. Criteria: ACMG Guidelines, 2015. Collection method: clinical testing. Allele origin: germline.

Blueprint Genetics
Classification: Likely benign. Last evaluated: 2019-12-04. Review status: criteria provided, single submitter. Criteria: ACMG Guidelines, 2015. Collection method: clinical testing. Allele origin: germline.

Ambry Genetics
Classification: Uncertain significance for Cardiovascular phenotype. Last evaluated: 2019-01-07. Review status: criteria provided, single submitter. Criteria: Ambry Variant Classification Scheme 2023. Collection method: clinical testing. Allele origin: germline.
Comment: The p.D23148N variant (also known as c.69442G>A), located in coding exon 174 of the TTN gene, results from a G to A substitution at nucleotide position 69442. The aspartic acid at codon 23148 is replaced by asparagine, an amino acid with highly similar properties. This amino acid position is highly conserved in available vertebrate species. In addition, this alteration is predicted to be tolerated by in silico analysis. Since supporting evidence is limited at this time, the clinical significance of this alteration remains unclear.

Fulgent Genetics
Classification: Uncertain significance for Tibial muscular dystrophy; Myopathy, myofibrillar, 9, with early respiratory failure; Dilated cardiomyopathy 1G; Autosomal recessive limb-girdle muscular dystrophy type 2J; Early-onset myopathy with fatal cardiomyopathy; Hypertrophic cardiomyopathy 9. Last evaluated: 2018-10-31. Review status: criteria provided, single submitter. Criteria: ACMG Guidelines, 2015. Collection method: clinical testing. Allele origin: unknown.

Eurofins Ntd Llc (ga)
Classification: Uncertain significance. Last evaluated: 2017-12-19. Review status: criteria provided, single submitter. Criteria: EGL Classification Definitions 2015. Collection method: clinical testing. Allele origin: germline. Observed: 1 variant allele, 1 heterozygote.

Labcorp Genetics (formerly Invitae), Labcorp
Classification: Uncertain significance for Dilated cardiomyopathy 1G; Autosomal recessive limb-girdle muscular dystrophy type 2J. Last evaluated: 2017-02-10. Review status: criteria provided, single submitter. Criteria: Invitae Variant Classification Sherloc (09022015). Collection method: clinical testing. Allele origin: germline.

Literature cited by the submitters: PubMed 31983221 (cited by Mayo Clinic Laboratories, Mayo Clinic).